The following is an entry in ClinVar:

NM_213649.2(SFXN4):c.415-9T>C

Gene: SFXN4 (sideroflexin 4; minus strand). Cytogenetic location: 10q26.11.
Variant type: single nucleotide variant.
Coding change: c.415-9T>C on transcript NM_213649.2 (MANE Select); 9 bases into the intron before coding-DNA position 415, T replaced by C.
Molecular consequence: intron variant.
Genome position (GRCh38, 1-based): chr10:119,157,936, A>G on the plus strand (T>C on the coding strand, the complement: SFXN4 is on the minus strand). VCF-style: chr10-119157936-A-G. GRCh37 (hg19) VCF-style: chr10-120917448-A-G.
Identifiers: ClinVar variation 383035 (VCV000383035.1), dbSNP rs1057521507, ClinGen allele CA16606632.

ClinVar aggregate classification (germline): Likely benign (1 of 4 stars; one submission).

Allele frequency attached by ClinVar (database versions not stated): gnomAD exomes below 0.00001.
gnomAD v4.1: 2 of 1,614,240 alleles (0.00012%); highest among the groups gnomAD compares: Admixed American, 0.0017%; no homozygotes.

Submission:

GeneDx
Classification: Likely benign. Last evaluated: 2016-02-19. Review status: criteria provided, single submitter. Criteria: GeneDx Variant Classification (06012015). Collection method: clinical testing. Allele origin: germline. Affected: yes.
Comment: This variant is considered likely benign or benign based on one or more of the following criteria: it is a conservative change, it occurs at a poorly conserved position in the protein, it is predicted to be benign by multiple in silico algorithms, and/or has population frequency not consistent with disease.